The following is an entry in ClinVar:

NM_014681.6(DHX34):c.2898GGA[4] (p.Glu970_Glu971del)

Gene: DHX34 (DExH-box helicase 34; plus strand). Cytogenetic location: 19q13.32.
Variant type: Microsatellite.
Coding change: c.2898GGA[4] on transcript NM_014681.6 (MANE Select); four copies in a row of the 3-base unit GGA starting at c.2898; the reference has six copies in a row; two copies, 6 bases deleted.
Protein change: p.Glu970_Glu971del.
Molecular consequence: inframe deletion.
Genome position (GRCh38, 1-based): chr19:47,379,913-47,379,918, GGAGGA deleted; deleting any 6 consecutive bases within chr19:47,379,901-47,379,918 gives the same sequence; the position shown is the placement nearest the transcript's 3' end. VCF-style (leftmost placement, unchanged base first): chr19-47379900-TGGAGGA-T. GRCh37 (hg19) VCF-style: chr19-47883157-TGGAGGA-T.
Other names: c.2910_2915del6 (NM_014681.5).
Identifiers: ClinVar variation 778602 (VCV000778602.6), dbSNP rs533574046, ClinGen allele CA9538741.

ClinVar aggregate classification (germline): Benign. Review status: criteria provided, single submitter (1 of 4 stars). 2 submissions from 2 submitters: Benign (1). 1 of the submissions does not count toward it. Last evaluated 2019-12-31.

Conditions:
DHX34-related disorder. Also called: DHX34-related condition.

Submissions (2):

Labcorp Genetics (formerly Invitae), Labcorp
Classification: Benign. Last evaluated: 2019-12-31. Review status: criteria provided, single submitter. Criteria: Invitae Variant Classification Sherloc (09022015). Collection method: clinical testing. Allele origin: germline.

PreventionGenetics, part of Exact Sciences
Classification: Benign for DHX34-related condition. Last evaluated: 2019-11-21. Review status: no assertion criteria provided. Collection method: clinical testing. Allele origin: germline. Not counted in ClinVar's aggregate classification.
Comment: This variant is classified as benign based on ACMG/AMP sequence variant interpretation guidelines (Richards et al. 2015 PMID: 25741868, with internal and published modifications).